The following is an entry in ClinVar:

ClinVar aggregate classification (germline): Uncertain significance (1 of 4 stars; one submission).

Conditions:
Inborn genetic diseases. Identifiers: MedGen C0950123, MeSH D030342.

Allele frequency attached by ClinVar (database versions not stated): gnomAD exomes below 0.00001.
gnomAD v4.1: 2 of 1,613,448 alleles (0.00012%); highest among the groups gnomAD compares: Non-Finnish European, 0.00017%; no homozygotes.

Submission:

Ambry Genetics
Classification: Uncertain significance for Inborn genetic diseases. Last evaluated: 2017-10-20. Review status: criteria provided, single submitter. Criteria: Ambry Variant Classification Scheme 2023. Collection method: clinical testing. Allele origin: germline.
Comment: The p.C1982R variant (also known as c.5944T>C), located in coding exon 26 of the SCN1A gene, results from a T to C substitution at nucleotide position 5944. The cysteine at codon 1982 is replaced by arginine, an amino acid with highly dissimilar properties. This amino acid position is well conserved in available vertebrate species. In addition, the in silico prediction for this alteration is inconclusive. Since supporting evidence is limited at this time, the clinical significance of this alteration remains unclear.

NM_001165963.4(SCN1A):c.5944T>C (p.Cys1982Arg)

Genes: SCN1A (sodium voltage-gated channel alpha subunit 1; minus strand), LOC102724058 (uncharacterized LOC102724058; plus strand). Cytogenetic location: 2q24.3.
Variant type: single nucleotide variant.
Coding change: c.5944T>C on transcript NM_001165963.4 (MANE Select); coding-DNA position 5944, T replaced by C.
Protein change: p.Cys1982Arg; replaces cysteine 1982 with arginine.
Molecular consequence: missense variant. On other transcripts: non-coding transcript variant (1).
Genome position (GRCh38, 1-based): chr2:165,991,331, A>G on the plus strand (T>C on the coding strand, the complement: SCN1A is on the minus strand). VCF-style: chr2-165991331-A-G. GRCh37 (hg19) VCF-style: chr2-166847841-A-G.
Other names: c.5860T>C, p.Cys1954Arg (NM_001165964.3, NM_001353957.2, NM_001353958.2); c.5944T>C, p.Cys1982Arg (NM_001202435.3, NM_001353948.2); c.5911T>C, p.Cys1971Arg (NM_001353949.2, NM_001353950.2, NM_001353951.2 and 2 more transcripts); c.5908T>C, p.Cys1970Arg (NM_001353954.2, NM_001353955.2); c.5857T>C, p.Cys1953Arg (NM_001353960.2); c.3502T>C, p.Cys1168Arg (NM_001353961.2); short protein forms C1953R, C1954R, C1168R, C1970R, C1971R, C1982R.
Identifiers: ClinVar variation 1750637 (VCV001750637.2), dbSNP rs2468323650, ClinGen allele CA349063126.